The following is an entry in ClinVar:

NM_000182.5(HADHA):c.995T>G (p.Met332Arg)

Gene: HADHA (hydroxyacyl-CoA dehydrogenase trifunctional multienzyme complex subunit alpha; minus strand). Cytogenetic location: 2p23.3.
Variant type: single nucleotide variant.
Coding change: c.995T>G on transcript NM_000182.5 (MANE Select); coding-DNA position 995, T replaced by G.
Protein change: p.Met332Arg; replaces methionine 332 with arginine.
Molecular consequence: missense variant.
Genome position (GRCh38, 1-based): chr2:26,209,870, A>C on the plus strand (T>G on the coding strand, the complement: HADHA is on the minus strand). VCF-style: chr2-26209870-A-C. GRCh37 (hg19) VCF-style: chr2-26432739-A-C.
Other names: c.995T>G (NM_000182.4); short protein forms M332R.
Identifiers: ClinVar variation 1422942 (VCV001422942.7), dbSNP rs752285354, ClinGen allele CA346090981.

ClinVar aggregate classification (germline): Uncertain significance. Review status: criteria provided, multiple submitters, no conflicts (2 of 4 stars). 3 submissions from 3 submitters: Uncertain significance (3). Last evaluated 2024-05-08.

Conditions:
Inborn genetic diseases. Identifiers: MedGen C0950123, MeSH D030342.
Mitochondrial trifunctional protein deficiency. Identifiers: Orphanet 746, MedGen C1969443, MONDO:0012172.
Long chain 3-hydroxyacyl-CoA dehydrogenase deficiency. Also called: Deficiency of long-chain 3-hydroxyacyl-coenzyme A dehydrogenase; LCHAD Deficiency. Identifiers: Orphanet 5, MedGen C3711645, MONDO:0012173, OMIM 609016.

gnomAD v4.1: 5 of 1,587,694 alleles (0.00031%); highest among the groups gnomAD compares: Admixed American, 0.0083%; no homozygotes.

Submissions (3):

GeneDx
Classification: Uncertain significance. Last evaluated: 2024-05-08. Review status: criteria provided, single submitter. Criteria: GeneDx Variant Classification Process June 2021. Collection method: clinical testing. Allele origin: germline. Affected: yes.
Comment: Not observed at significant frequency in large population cohorts (gnomAD); In silico analysis supports that this missense variant has a deleterious effect on protein structure/function; Has not been previously published as pathogenic or benign to our knowledge

Ambry Genetics
Classification: Uncertain significance for Inborn genetic diseases. Last evaluated: 2023-12-09. Review status: criteria provided, single submitter. Criteria: Ambry Variant Classification Scheme 2023. Collection method: clinical testing. Allele origin: germline.

Labcorp Genetics (formerly Invitae), Labcorp
Classification: Uncertain significance for Mitochondrial trifunctional protein deficiency; Long chain 3-hydroxyacyl-CoA dehydrogenase deficiency. Last evaluated: 2021-08-28. Review status: criteria provided, single submitter. Criteria: Invitae Variant Classification Sherloc (09022015). Collection method: clinical testing. Allele origin: germline.
Comment: This sequence change replaces methionine with arginine at codon 332 of the HADHA protein (p.Met332Arg). The methionine residue is weakly conserved and there is a moderate physicochemical difference between methionine and arginine. This variant is not present in population databases (ExAC no frequency). This variant has not been reported in the literature in individuals affected with HADHA-related conditions. Algorithms developed to predict the effect of missense changes on protein structure and function (SIFT, PolyPhen-2, Align-GVGD) all suggest that this variant is likely to be tolerated. In summary, the available evidence is currently insufficient to determine the role of this variant in disease. Therefore, it has been classified as a Variant of Uncertain Significance.